The following is an entry in ClinVar:

NM_005159.5(ACTC1):c.454+245G>A

Genes: ACTC1 (actin alpha cardiac muscle 1; minus strand), GJD2-DT (GJD2 divergent transcript; plus strand). Cytogenetic location: 15q14.
Variant type: single nucleotide variant.
Coding change: c.454+245G>A on transcript NM_005159.5 (MANE Select); 245 bases into the intron after coding-DNA position 454, G replaced by A.
Molecular consequence: intron variant.
Genome position (GRCh38, 1-based): chr15:34,793,000, C>T on the plus strand (G>A on the coding strand, the complement: ACTC1 is on the minus strand). VCF-style: chr15-34793000-C-T. GRCh37 (hg19) VCF-style: chr15-35085201-C-T.
Identifiers: ClinVar variation 677956 (VCV000677956.1), dbSNP rs2070664, ClinGen allele CA14076467.

ClinVar aggregate classification (germline): Benign (1 of 4 stars; one submission).

Allele frequency attached by ClinVar (database versions not stated): gnomAD 0.62167 and 0.62309; TOPMed 0.63051; 1000 Genomes Project 0.64058; 1000 Genomes Project 30x 0.64678.
gnomAD v4.1: 338,861 of 568,658 alleles (60%); highest among the groups gnomAD compares: African/African-American, 72%; 101,963 homozygotes.

Submission:

GeneDx
Classification: Benign. Last evaluated: 2018-06-14. Review status: criteria provided, single submitter. Criteria: GeneDx Variant Classification (06012015). Collection method: clinical testing. Allele origin: germline. Affected: yes.
Comment: This variant is considered likely benign or benign based on one or more of the following criteria: it is a conservative change, it occurs at a poorly conserved position in the protein, it is predicted to be benign by multiple in silico algorithms, and/or has population frequency not consistent with disease.